The following is an entry in ClinVar:

NM_139276.3(STAT3):c.1120G>T (p.Asp374Tyr)

Gene: STAT3 (signal transducer and activator of transcription 3; minus strand). Cytogenetic location: 17q21.2.
Variant type: single nucleotide variant.
Coding change: c.1120G>T on transcript NM_139276.3 (MANE Select); coding-DNA position 1120, G replaced by T.
Protein change: p.Asp374Tyr; replaces aspartic acid 374 with tyrosine.
Molecular consequence: missense variant.
Genome position (GRCh38, 1-based): chr17:42,329,766, C>A on the plus strand (G>T on the coding strand, the complement: STAT3 is on the minus strand). VCF-style: chr17-42329766-C-A. GRCh37 (hg19) VCF-style: chr17-40481784-C-A.
Other names: c.1120G>T, p.Asp374Tyr (NM_001369512.1, NM_001369513.1, NM_001369514.1 and 12 more transcripts); c.1042G>T, p.Asp348Tyr (NM_001384985.1); c.1135G>T, p.Asp379Tyr (NM_001384986.1, NM_001384990.1); c.1024G>T, p.Asp342Tyr (NM_001384989.1); c.1060G>T, p.Asp354Tyr (NM_001384992.1); short protein forms D342Y, D348Y, D354Y, D374Y, D379Y.
Identifiers: ClinVar variation 1060656 (VCV001060656.9), dbSNP rs1449703019, ClinGen allele CA399589419.
Genomic context (GRCh38, chr17:42,329,766, plus strand): 5'-AGGTTAAACGGAACAAAAGGAAGCCTCTAGGCTGAACTTACCCTCTGAGAGCTGCAACGT[C>A]CCCAGAGTCTCTGTAAGAACACAGACTGTTGTTAATAAAATAGGCTCTGTGTTTCTTCAA-3'
Protein context (NP_644805.1, residues 364-384): IKVCIDKDSG[Asp374Tyr]VAALRGSRKF

ClinVar aggregate classification (germline): Uncertain significance (1 of 4 stars; one submission).

Conditions:
STAT3 gain of function. Identifiers: MedGen C4288261.
Hyper-IgE recurrent infection syndrome 1, autosomal dominant. Also called: JOB SYNDROME; STAT3 Hyper IgE Syndrome; Job's Syndrome; Hyper-IgE recurrent infection syndrome 1; HYPER-IgE SYNDROME 1, AUTOSOMAL DOMINANT, WITH RECURRENT INFECTIONS. Identifiers: Orphanet 2314, MedGen C2936739, MONDO:0007818, OMIM 147060.

Allele frequency attached by ClinVar (database versions not stated): gnomAD exomes below 0.00001.
gnomAD v4.1: 1 of 1,614,212 alleles (0.000062%); highest among the groups gnomAD compares: Admixed American, 0.0017%; no homozygotes.

Submission:

Labcorp Genetics (formerly Invitae), Labcorp
Classification: Uncertain significance for STAT3 gain of function; Hyper-IgE recurrent infection syndrome 1, autosomal dominant. Last evaluated: 2024-10-24. Review status: criteria provided, single submitter. Criteria: Invitae Variant Classification Sherloc (09022015). Collection method: clinical testing. Allele origin: germline.
Comment: This sequence change replaces aspartic acid, which is acidic and polar, with tyrosine, which is neutral and polar, at codon 374 of the STAT3 protein (p.Asp374Tyr). This variant is present in population databases (no rsID available, gnomAD 0.003%). This variant has not been reported in the literature in individuals affected with STAT3-related conditions. ClinVar contains an entry for this variant (Variation ID: 1060656). Invitae Evidence Modeling of protein sequence and biophysical properties (such as structural, functional, and spatial information, amino acid conservation, physicochemical variation, residue mobility, and thermodynamic stability) indicates that this missense variant is expected to disrupt STAT3 protein function with a positive predictive value of 95%. Algorithms developed to predict the effect of sequence changes on RNA splicing suggest that this variant may disrupt the consensus splice site. In summary, the available evidence is currently insufficient to determine the role of this variant in disease. Therefore, it has been classified as a Variant of Uncertain Significance.